The following is an entry in ClinVar:

ClinVar aggregate classification (germline): Uncertain significance (1 of 4 stars; one submission).

Submission:

Labcorp Genetics (formerly Invitae), Labcorp
Classification: Uncertain significance. Last evaluated: 2022-03-25. Review status: criteria provided, single submitter. Criteria: Invitae Variant Classification Sherloc (09022015). Collection method: clinical testing. Allele origin: germline.
Comment: This sequence change replaces lysine, which is basic and polar, with asparagine, which is neutral and polar, at codon 853 of the ADAMTSL4 protein (p.Lys853Asn). This variant also falls at the last nucleotide of exon 15, which is part of the consensus splice site for this exon. This variant is present in population databases (no rsID available, gnomAD 0.003%). This variant has not been reported in the literature in individuals affected with ADAMTSL4-related conditions. Algorithms developed to predict the effect of missense changes on protein structure and function (SIFT, PolyPhen-2, Align-GVGD) all suggest that this variant is likely to be disruptive. Variants that disrupt the consensus splice site are a relatively common cause of aberrant splicing (PMID: 17576681, 9536098). Algorithms developed to predict the effect of sequence changes on RNA splicing suggest that this variant may disrupt the consensus splice site. In summary, the available evidence is currently insufficient to determine the role of this variant in disease. Therefore, it has been classified as a Variant of Uncertain Significance.

Literature cited by the submitters: PubMed 17576681; PubMed 9536098.

NM_019032.6(ADAMTSL4):c.2559G>T (p.Lys853Asn)

Gene: ADAMTSL4 (ADAMTS like 4; plus strand). Cytogenetic location: 1q21.2.
Variant type: single nucleotide variant.
Coding change: c.2559G>T on transcript NM_019032.6 (MANE Select); coding-DNA position 2559, G replaced by T.
Protein change: p.Lys853Asn; replaces lysine 853 with asparagine.
Molecular consequence: missense variant.
Genome position (GRCh38, 1-based): chr1:150,558,649, G>T. VCF-style: chr1-150558649-G-T. GRCh37 (hg19) VCF-style: chr1-150531125-G-T.
Other names: c.2442G>T, p.Lys814Asn (NM_001288607.2); c.2628G>T, p.Lys876Asn (NM_001288608.2); c.2559G>T, p.Lys853Asn (NM_001378596.1, NM_025008.5); short protein forms K853N, K876N, K814N.
Identifiers: ClinVar variation 1980116 (VCV001980116.1), dbSNP rs779364402, ClinGen allele CA342315390.
Genomic context (GRCh38, chr1:150,558,649, plus strand): 5'-AGAGGCCTGTGACATGGGGCCCTGTACTACTGCCTGGTTCCACAGCGACTGGAGCTCCAA[G>T]GTGAGCCCGGAACCCCCAGCCATATCCTGCATCCTGGGTAACCACGCCCAGGACACCTCA-3'
Protein context (NP_061905.2, residues 843-863): TAWFHSDWSS[Lys853Asn]CSAECGTGIQ